The following is an entry in ClinVar:

NM_000416.3(IFNGR1):c.733+3A>G

Gene: IFNGR1 (interferon gamma receptor 1; minus strand). Cytogenetic location: 6q23.3.
Variant type: single nucleotide variant.
Coding change: c.733+3A>G on transcript NM_000416.3 (MANE Select); 3 bases into the intron after coding-DNA position 733, A replaced by G.
Molecular consequence: intron variant.
Genome position (GRCh38, 1-based): chr6:137,203,496, T>C on the plus strand (A>G on the coding strand, the complement: IFNGR1 is on the minus strand). VCF-style: chr6-137203496-T-C. GRCh37 (hg19) VCF-style: chr6-137524633-T-C.
Other names: c.703+3A>G (NM_001363526.1); c.610+3A>G (NM_001363527.1).
Identifiers: ClinVar variation 1487875 (VCV001487875.6), dbSNP rs924209502, ClinGen allele CA148228875.

ClinVar aggregate classification (germline): Uncertain significance (1 of 4 stars; one submission).

Conditions:
Disseminated atypical mycobacterial infection. Identifiers: MedGen C0694566.

Allele frequency attached by ClinVar (database versions not stated): gnomAD exomes below 0.00001.
gnomAD v4.1: 3 of 1,533,756 alleles (0.0002%); highest among the groups gnomAD compares: Non-Finnish European, 0.00027%; no homozygotes.

Submission:

Labcorp Genetics (formerly Invitae), Labcorp
Classification: Uncertain significance for Disseminated atypical mycobacterial infection. Last evaluated: 2022-07-12. Review status: criteria provided, single submitter. Criteria: Invitae Variant Classification Sherloc (09022015). Collection method: clinical testing. Allele origin: germline.
Comment: In summary, the available evidence is currently insufficient to determine the role of this variant in disease. Therefore, it has been classified as a Variant of Uncertain Significance. This sequence change falls in intron 5 of the IFNGR1 gene. It does not directly change the encoded amino acid sequence of the IFNGR1 protein. It affects a nucleotide within the consensus splice site. This variant is present in population databases (no rsID available, gnomAD 0.0009%). This variant has not been reported in the literature in individuals affected with IFNGR1-related conditions. ClinVar contains an entry for this variant (Variation ID: 1487875). Variants that disrupt the consensus splice site are a relatively common cause of aberrant splicing (PMID: 17576681, 9536098). Algorithms developed to predict the effect of sequence changes on RNA splicing suggest that this variant is not likely to affect RNA splicing.

Literature cited by the submitters: PubMed 17576681; PubMed 9536098.